The following is an entry in ClinVar:

ClinVar aggregate classification (germline): Uncertain significance (1 of 4 stars; one submission).

Conditions:
Adams-Oliver syndrome 5 (AOS5). Identifiers: Orphanet 974, MedGen C4014970, MONDO:0014459, OMIM 616028.

Submission:

Labcorp Genetics (formerly Invitae), Labcorp
Classification: Uncertain significance for Adams-Oliver syndrome 5. Last evaluated: 2023-11-28. Review status: criteria provided, single submitter. Criteria: Invitae Variant Classification Sherloc (09022015). Collection method: clinical testing. Allele origin: germline.
Comment: This sequence change replaces alanine, which is neutral and non-polar, with asparagine, which is neutral and polar, at codon 495 of the NOTCH1 protein (p.Ala495Asn). Information on the frequency of this variant in the gnomAD database is not available, as this variant may be reported differently in the database. This variant has not been reported in the literature in individuals affected with NOTCH1-related conditions. An algorithm developed to predict the effect of missense changes on protein structure and function (PolyPhen-2) suggests that this variant is likely to be disruptive. In summary, the available evidence is currently insufficient to determine the role of this variant in disease. Therefore, it has been classified as a Variant of Uncertain Significance.

NM_017617.5(NOTCH1):c.1483_1484delinsAA (p.Ala495Asn)

Gene: NOTCH1 (notch receptor 1; minus strand). Cytogenetic location: 9q34.3.
Variant type: Indel.
Coding change: c.1483_1484delinsAA on transcript NM_017617.5 (MANE Select); coding-DNA positions 1483 to 1484, GC replaced by AA.
Protein change: p.Ala495Asn; replaces alanine 495 with asparagine.
Molecular consequence: missense variant.
Genome position (GRCh38, 1-based): chr9:136,517,343-136,517,344, GC replaced by TT on the plus strand (GC replaced by AA on the coding strand, the reverse complement: NOTCH1 is on the minus strand). VCF-style: chr9-136517343-GC-TT. GRCh37 (hg19) VCF-style: chr9-139411795-GC-TT.
Other names: short protein forms A495N.
Identifiers: ClinVar variation 2699558 (VCV002699558.3), dbSNP rs2540459684, ClinGen allele CA2697558194.